The following is an entry in ClinVar:

ClinVar aggregate classification (germline): Uncertain significance (1 of 4 stars; one submission).

gnomAD v4.1: 5 of 1,614,022 alleles (0.00031%); highest among the groups gnomAD compares: Admixed American, 0.0017%; no homozygotes.

Submission:

Labcorp Genetics (formerly Invitae), Labcorp
Classification: Uncertain significance. Last evaluated: 2025-05-05. Review status: criteria provided, single submitter. Criteria: Invitae Variant Classification Sherloc (09022015). Collection method: clinical testing. Allele origin: germline.
Comment: This sequence change replaces valine, which is neutral and non-polar, with methionine, which is neutral and non-polar, at codon 1112 of the ITPR1 protein (p.Val1112Met). This variant is present in population databases (rs780411493, gnomAD 0.003%). This variant has not been reported in the literature in individuals affected with ITPR1-related conditions. ClinVar contains an entry for this variant (Variation ID: 3641096). Invitae Evidence Modeling of protein sequence and biophysical properties (such as structural, functional, and spatial information, amino acid conservation, physicochemical variation, residue mobility, and thermodynamic stability) indicates that this missense variant is expected to disrupt ITPR1 protein function with a positive predictive value of 95%. In summary, the available evidence is currently insufficient to determine the role of this variant in disease. Therefore, it has been classified as a Variant of Uncertain Significance.

NM_001378452.1(ITPR1):c.3406G>A (p.Val1136Met)

Gene: ITPR1 (inositol 1,4,5-trisphosphate receptor type 1; plus strand). Cytogenetic location: 3p26.1.
Variant type: single nucleotide variant.
Coding change: c.3406G>A on transcript NM_001378452.1 (MANE Select); coding-DNA position 3406, G replaced by A.
Protein change: p.Val1136Met; replaces valine 1136 with methionine.
Molecular consequence: missense variant.
Genome position (GRCh38, 1-based): chr3:4,683,706, G>A. VCF-style: chr3-4683706-G-A. GRCh37 (hg19) VCF-style: chr3-4725390-G-A.
Other names: c.3379G>A, p.Val1127Met (NM_001099952.4); c.3361G>A, p.Val1121Met (NM_001168272.2); c.3334G>A, p.Val1112Met (NM_002222.7); short protein forms V1136M, V1112M, V1121M, V1127M.
Identifiers: ClinVar variation 3641096 (VCV003641096.2).